The following is an entry in ClinVar:

NM_001041.4(SI):c.2965C>T (p.Arg989Cys)

Gene: SI (sucrase-isomaltase; minus strand). Cytogenetic location: 3q26.1.
Variant type: single nucleotide variant.
Coding change: c.2965C>T on transcript NM_001041.4 (MANE Select); coding-DNA position 2965, C replaced by T.
Protein change: p.Arg989Cys; replaces arginine 989 with cysteine.
Molecular consequence: missense variant.
Genome position (GRCh38, 1-based): chr3:165,023,704, G>A on the plus strand (C>T on the coding strand, the complement: SI is on the minus strand). VCF-style: chr3-165023704-G-A. GRCh37 (hg19) VCF-style: chr3-164741492-G-A.
Other names: short protein forms R989C.
Identifiers: ClinVar variation 1414132 (VCV001414132.4), dbSNP rs764857009, ClinGen allele CA2690430.

ClinVar aggregate classification (germline): Uncertain significance (1 of 4 stars; one submission).

Allele frequency attached by ClinVar (database versions not stated): gnomAD exomes 0.00001; ExAC 0.00001; gnomAD 0.00001.
gnomAD v4.1: 13 of 1,610,582 alleles (0.00081%); highest among the groups gnomAD compares: Admixed American, 0.0034%; no homozygotes.

Submission:

Labcorp Genetics (formerly Invitae), Labcorp
Classification: Uncertain significance. Last evaluated: 2021-09-29. Review status: criteria provided, single submitter. Criteria: Invitae Variant Classification Sherloc (09022015). Collection method: clinical testing. Allele origin: germline.
Comment: In summary, the available evidence is currently insufficient to determine the role of this variant in disease. Therefore, it has been classified as a Variant of Uncertain Significance. Advanced modeling of protein sequence and biophysical properties (such as structural, functional, and spatial information, amino acid conservation, physicochemical variation, residue mobility, and thermodynamic stability) performed at Invitae indicates that this missense variant is not expected to disrupt SI protein function. This variant has not been reported in the literature in individuals affected with SI-related conditions. This variant is present in population databases (rs764857009, ExAC 0.01%). This sequence change replaces arginine with cysteine at codon 989 of the SI protein (p.Arg989Cys). The arginine residue is weakly conserved and there is a large physicochemical difference between arginine and cysteine.